The following is an entry in ClinVar:

ClinVar aggregate classification (germline): Uncertain significance. Review status: criteria provided, multiple submitters, no conflicts (2 of 4 stars). 2 submissions from 2 submitters: Uncertain significance (2). Last evaluated 2026-02-11.

Conditions:
Thrombocytopenia 2 (THC2). Also called: ANKRD26-Related Thrombocytopenia. Identifiers: Orphanet 268322, MedGen C1861185, MONDO:0008555, OMIM 188000.

Allele frequency attached by ClinVar (database versions not stated): TOPMed below 0.00001.
gnomAD v4.1: 2 of 1,614,092 alleles (0.00012%); highest among the groups gnomAD compares: African/African-American, 0.0013%; no homozygotes.

Submissions (2):

St. Jude Molecular Pathology, St. Jude Children's Research Hospital
Classification: Uncertain significance for Thrombocytopenia 2. Last evaluated: 2026-02-11. Review status: criteria provided, single submitter. Criteria: St. Jude Assertion Criteria 2020. Collection method: clinical testing. Allele origin: germline.
Comment: The ANKRD26 c.146A>G p.(Lys49Arg) missense change is absent in gnomAD v2.1.1. This variant is not located in the 5' UTR. The in silico tool REVEL predicts a benign effect on protein function, but to our knowledge this prediction has not been confirmed by functional studies. To our knowledge, this variant has not been reported in the literature in individuals with ANKRD26-related thrombocytopenia. In summary, the evidence currently available is insufficient to determine the clinical significance of this variant. It has therefore been classified as of uncertain significance.

Labcorp Genetics (formerly Invitae), Labcorp
Classification: Uncertain significance. Last evaluated: 2023-11-12. Review status: criteria provided, single submitter. Criteria: Invitae Variant Classification Sherloc (09022015). Collection method: clinical testing. Allele origin: germline.
Comment: This sequence change replaces lysine, which is basic and polar, with arginine, which is basic and polar, at codon 49 of the ANKRD26 protein (p.Lys49Arg). This variant is not present in population databases (gnomAD no frequency). This variant has not been reported in the literature in individuals affected with ANKRD26-related conditions. An algorithm developed to predict the effect of missense changes on protein structure and function (PolyPhen-2) suggests that this variant is likely to be disruptive. In summary, the available evidence is currently insufficient to determine the role of this variant in disease. Therefore, it has been classified as a Variant of Uncertain Significance.

NM_014915.3(ANKRD26):c.146A>G (p.Lys49Arg)

Genes: ANKRD26 (ankyrin repeat domain 26; minus strand), LOC130003554 (ATAC-STARR-seq lymphoblastoid silent region 2243; plus strand). Cytogenetic location: 10p12.1.
Variant type: single nucleotide variant.
Coding change: c.146A>G on transcript NM_014915.3 (MANE Select); coding-DNA position 146, A replaced by G.
Protein change: p.Lys49Arg; replaces lysine 49 with arginine.
Molecular consequence: missense variant.
Genome position (GRCh38, 1-based): chr10:27,100,181, T>C on the plus strand (A>G on the coding strand, the complement: ANKRD26 is on the minus strand). VCF-style: chr10-27100181-T-C. GRCh37 (hg19) VCF-style: chr10-27389110-T-C.
Other names: c.146A>G, p.Lys49Arg (NM_001256053.2); short protein forms K49R.
Identifiers: ClinVar variation 2903477 (VCV002903477.4), dbSNP rs757680550, ClinGen allele CA204453503.